The following is an entry in ClinVar:

NM_000069.3(CACNA1S):c.525G>T (p.Leu175=)

Gene: CACNA1S (calcium voltage-gated channel subunit alpha1 S; minus strand). Cytogenetic location: 1q32.1.
Variant type: single nucleotide variant.
Coding change: c.525G>T on transcript NM_000069.3 (MANE Select); coding-DNA position 525, G replaced by T.
Protein change: p.Leu175=; no amino-acid change (leucine 175 retained).
Molecular consequence: synonymous variant.
Genome position (GRCh38, 1-based): chr1:201,091,988, C>A on the plus strand (G>T on the coding strand, the complement: CACNA1S is on the minus strand). VCF-style: chr1-201091988-C-A. GRCh37 (hg19) VCF-style: chr1-201061116-C-A.
Identifiers: ClinVar variation 700730 (VCV000700730.10), dbSNP rs1452693805, ClinGen allele CA422815406.
Genomic context (GRCh38, chr1:201,091,988, plus strand): 5'-GGAAGGGAGAGGAGAAAGGGGTCTGCAGGGACACTGCCACCCACTAGGCACCCCCGACAC[C>A]AGCCGGAGGGGTCTGAGCACTCGGAAGGCTCTGAGGGCCTTGACATCCAAGCCGGCTCCT-3'
Protein context (NP_000060.2, residues 165-185): RAFRVLRPLR[Leu175=]VSGVPSLQVV

ClinVar aggregate classification (germline): Likely benign. Review status: criteria provided, multiple submitters, no conflicts (2 of 4 stars). 2 submissions from 2 submitters: Likely benign (2). Last evaluated 2024-10-28.

Conditions:
Hypokalemic periodic paralysis, type 1. Also called: Hypokalemic Periodic Paralysis Type 1 (AD); HypoPP. Identifiers: Orphanet 681, MedGen C3714580, MONDO:0042979, OMIM 170400.
Malignant hyperthermia, susceptibility to, 5 (MHS5). Also called: CACNA1S-Related Malignant Hyperthermia Susceptibility. Identifiers: Orphanet 423, MedGen C1866077, MONDO:0011163, OMIM 601887.

Allele frequency attached by ClinVar (database versions not stated): gnomAD exomes below 0.00001.
gnomAD v4.1: 4 of 1,614,144 alleles (0.00025%); highest among the groups gnomAD compares: South Asian, 0.0044%; no homozygotes.

Submissions (2):

Labcorp Genetics (formerly Invitae), Labcorp
Classification: Likely benign for Hypokalemic periodic paralysis, type 1; Malignant hyperthermia, susceptibility to, 5. Last evaluated: 2024-10-28. Review status: criteria provided, single submitter. Criteria: Invitae Variant Classification Sherloc (09022015). Collection method: clinical testing. Allele origin: germline.

All of Us Research Program, National Institutes of Health
Classification: Likely benign for Malignant hyperthermia, susceptibility to, 5. Last evaluated: 2023-06-26. Review status: criteria provided, single submitter. Criteria: ACMG Guidelines, 2015. Collection method: clinical testing. Allele origin: germline. Inheritance: Autosomal dominant inheritance. Observed: 1 variant allele, 1 heterozygote.
Comment: This study involves interpretation of variants in research participants for the purpose of population health screening. Participant phenotype was not available at the time of variant classification. Additional details can be found in publication PMID: 35346344, PMCID: PMC8962531